The following is an entry in ClinVar:

ClinVar aggregate classification (germline): Likely pathogenic (1 of 4 stars; one submission).

Submission:

Dasa
Classification: Likely pathogenic. Last evaluated: 2025-07-01. Review status: criteria provided, single submitter. Criteria: DASA Assertion Criteria. Collection method: clinical testing. Allele origin: germline.
Comment: NM_000089.4(COL1A2):c.1783G>T (p.Gly595Cys) is a missense variant that results in the substitution of glycine with cysteine. The affected residue or protein region has prior evidence supporting clinical relevance. De novo occurrence has been reported in an individual with COL1A2-related disorders. This variant is rare in population databases. Computational evidence supports a deleterious effect. Based on the currently available evidence, this variant is classified as likely pathogenic.

NM_000089.4(COL1A2):c.1783G>T (p.Gly595Cys)

Gene: COL1A2 (collagen type I alpha 2 chain; plus strand). Cytogenetic location: 7q21.3.
Variant type: single nucleotide variant.
Coding change: c.1783G>T on transcript NM_000089.4 (MANE Select); coding-DNA position 1783, G replaced by T.
Protein change: p.Gly595Cys; replaces glycine 595 with cysteine.
Molecular consequence: missense variant.
Genome position (GRCh38, 1-based): chr7:94,416,423, G>T. VCF-style: chr7-94416423-G-T. GRCh37 (hg19) VCF-style: chr7-94045735-G-T.
Other names: short protein forms G595C.
Identifiers: ClinVar variation 4881205 (VCV004881205.2).